The following is an entry in ClinVar:

NM_001242957.3(MAK):c.1700_1703del (p.Asn567fs)

Gene: MAK (male germ cell associated kinase; minus strand). Cytogenetic location: 6p24.2.
Variant type: Deletion.
Coding change: c.1700_1703del on transcript NM_001242957.3 (MANE Select); coding-DNA positions 1700 to 1703, 4 bases deleted (ATCA; older notation c.1700_1703delATCA).
Protein change: p.Asn567fs; shifts the reading frame from asparagine 567.
Molecular consequence: frameshift variant. On other transcripts: non-coding transcript variant (2), intron variant (2).
Genome position (GRCh38, 1-based): chr6:10,770,200-10,770,203, TGAT deleted on the plus strand (ATCA on the coding strand, the reverse complement: MAK is on the minus strand); deleting any 4 consecutive bases within chr6:10,770,200-10,770,205 gives the same sequence; the c. name uses the placement nearest the transcript's 3' end. VCF-style (leftmost placement, unchanged base first): chr6-10770199-CTGAT-C. GRCh37 (hg19) VCF-style: chr6-10770432-CTGAT-C.
Other names: c.1625_1628del, p.Asn542fs (NM_005906.6); c.1495+5125_1495+5128del (NM_001377262.1); c.1597+5125_1597+5128del (NM_001242385.2); short protein forms N542fs, N567fs.
Identifiers: ClinVar variation 444672 (VCV000444672.54), dbSNP rs1347914291, ClinGen allele CA565386488.
Genomic context (GRCh38, chr6:10,770,199, plus strand): 5'-GTGGATCCTCTGGCCAGCTGACTGCACTTCTTTTTTGAGAAAGGAAGGAATATATCCTGA[CTGAT>C]TGTAAGTAGCATAACTTCCAAGATTTCCTAGTGACATATCATAAAGTTTCACAGTCAGAA-3'

ClinVar aggregate classification (germline): Pathogenic/Likely pathogenic. Review status: criteria provided, multiple submitters, no conflicts (2 of 4 stars). 5 submissions from 5 submitters: Pathogenic (2); Likely pathogenic (3). Last evaluated 2025-06-15.

Conditions:
Isolated macular dystrophy. Identifiers: Orphanet 519302, MedGen C5681367, MONDO:0957048.
Retinal dystrophy. Also called: Inherited retinal dystrophy. Identifiers: Orphanet 71862, MedGen C0854723, MeSH D058499, MONDO:0019118, HP:0000556.
MAK-related disorders.

Submissions (5):

Labcorp Genetics (formerly Invitae), Labcorp
Classification: Pathogenic. Last evaluated: 2025-06-15. Review status: criteria provided, single submitter. Criteria: Invitae Variant Classification Sherloc (09022015). Collection method: clinical testing. Allele origin: germline.
Comment: This sequence change creates a premature translational stop signal (p.Asn567Serfs*22) in the MAK gene. While this is not anticipated to result in nonsense mediated decay, it is expected to disrupt the last 82 amino acid(s) of the MAK protein. This variant is present in population databases (no rsID available, gnomAD 0.0009%). This premature translational stop signal has been observed in individuals with MAK-related conditions (PMID: 32531858, 34321860; internal data). ClinVar contains an entry for this variant (Variation ID: 444672). This variant disrupts the C-terminus of the MAK protein. Other variant(s) that disrupt this region (p.Gln609*, p.Arg607Glyfs*15) have been observed in individuals with MAK-related conditions (PMID: 33247286; internal data). This suggests that this may be a clinically significant region of the protein. For these reasons, this variant has been classified as Pathogenic.

Blueprint Genetics
Classification: Likely pathogenic for MAK-related disorders. Last evaluated: 2022-09-23. Review status: criteria provided, single submitter. Criteria: ACMG Guidelines, 2015. Collection method: clinical testing. Allele origin: germline. Affected: yes. Observed: 5 variant alleles.

Molecular Genetics Laboratory, Institute for Ophthalmic Research
Classification: Pathogenic for Isolated macular dystrophy. Last evaluated: 2020-01-09. Review status: criteria provided, single submitter. Criteria: ACMG Guidelines, 2015. Collection method: research. Allele origin: germline. Affected: yes.

Institute of Human Genetics, Univ. Regensburg, Univ. Regensburg
Classification: Likely pathogenic for Retinal dystrophy. Last evaluated: 2019-01-01. Review status: criteria provided, single submitter. Criteria: ACMG Guidelines, 2015. Collection method: clinical testing. Allele origin: germline. Affected: yes.

CeGaT Center for Human Genetics Tuebingen
Classification: Likely pathogenic. Last evaluated: 2017-05-01. Review status: criteria provided, single submitter. Criteria: CeGaT Center For Human Genetics Tuebingen Variant Classification Criteria Version 2. Collection method: clinical testing. Allele origin: germline. Affected: yes. Observed: 1 variant allele.

Literature cited by the submitters: PubMed 32531858 (cited by Labcorp Genetics (formerly Invitae), Labcorp and Institute of Human Genetics, Univ. Regensburg, Univ. Regensburg); PubMed 34321860 (cited by Labcorp Genetics (formerly Invitae), Labcorp); PubMed 33247286 (cited by Labcorp Genetics (formerly Invitae), Labcorp).